The following is an entry in ClinVar:

NM_002382.5(MAX):c.298C>T (p.Arg100Cys)

Gene: MAX (MYC associated transcriptional regulator X; minus strand). Cytogenetic location: 14q23.3.
Variant type: single nucleotide variant.
Coding change: c.298C>T on transcript NM_002382.5 (MANE Select); coding-DNA position 298, C replaced by T.
Protein change: p.Arg100Cys; replaces arginine 100 with cysteine.
Molecular consequence: missense variant. On other transcripts: 3 prime UTR variant (1), intron variant (2).
Genome position (GRCh38, 1-based): chr14:65,076,661, G>A on the plus strand (C>T on the coding strand, the complement: MAX is on the minus strand). VCF-style: chr14-65076661-G-A. GRCh37 (hg19) VCF-style: chr14-65543379-G-A.
Other names: c.109C>T, p.Arg37Cys (NM_001320415.2, NM_001407105.1, NM_001407106.1 and 1 more transcripts); c.298C>T, p.Arg100Cys (NM_001407094.1); c.271C>T, p.Arg91Cys (NM_001407095.1, NM_145112.3); c.*71C>T (NM_001407096.1, NM_001407099.1, NM_001407102.1 and 2 more transcripts); c.*87C>T (NM_001407097.1, NM_001407100.1, NM_001407101.1 and 4 more transcripts); c.190C>T, p.Arg64Cys (NM_001407098.1); c.97C>T, p.Arg33Cys (NM_001407111.1, NM_001407112.1); c.144+17047C>T (NM_001271069.2); and 1 more; short protein forms R100C, R91C, R37C, R33C, R64C.
Identifiers: ClinVar variation 404108 (VCV000404108.16), dbSNP rs762084527, ClinGen allele CA7232813.
Genomic context (GRCh38, chr14:65,076,661, plus strand): 5'-TGTCTGAGGAGGGGTAGTTGGTCTGCAGTTGGGCACTTGACCTCGCCTTCTCCAGTGCAC[G>A]GACTAAAAGGCAACCAAGGGAGTGTGTTACTGCCTTCTGGAGACTTGGGGAGTAACCGAG-3'
Protein context (NP_002373.3, residues 90-110): RQNALLEQQV[Arg100Cys]ALEKARSSAQ

ClinVar aggregate classification (germline): Uncertain significance. Review status: criteria provided, multiple submitters, no conflicts (2 of 4 stars). 3 submissions from 3 submitters: Uncertain significance (3). Last evaluated 2024-11-01.

Conditions:
Hereditary cancer-predisposing syndrome. Also called: Neoplastic Syndromes, Hereditary; Tumor predisposition; Hereditary Cancer Syndrome; Hereditary neoplastic syndrome. Identifiers: Orphanet 140162, MedGen C0027672, MeSH D009386, MONDO:0015356.
Hereditary pheochromocytoma and paraganglioma. Also called: Hereditary pheochromocytoma-paraganglioma; Hereditary paragangliomas and pheochromocytomas; Hereditary Paraganglioma-Pheochromocytoma Syndromes. Identifiers: Orphanet 29072, MedGen C4274332, MONDO:0017366.

Allele frequency attached by ClinVar (database versions not stated): gnomAD exomes below 0.00001; TOPMed below 0.00001; ExAC 0.00001; gnomAD 0.00001.
gnomAD v4.1: 6 of 1,614,048 alleles (0.00037%); highest among the groups gnomAD compares: Non-Finnish European, 0.00051%; no homozygotes.

Submissions (3):

Blueprint Genetics
Classification: Uncertain significance. Last evaluated: 2024-11-01. Review status: criteria provided, single submitter. Criteria: ACMG Guidelines, 2015. Collection method: clinical testing. Allele origin: germline.

Ambry Genetics
Classification: Uncertain significance for Hereditary cancer-predisposing syndrome. Last evaluated: 2023-12-11. Review status: criteria provided, single submitter. Criteria: Ambry Variant Classification Scheme 2023. Collection method: clinical testing. Allele origin: germline.
Comment: The p.R100C variant (also known as c.298C>T), located in coding exon 5 of the MAX gene, results from a C to T substitution at nucleotide position 298. The arginine at codon 100 is replaced by cysteine, an amino acid with highly dissimilar properties. This alteration was detected in 1/102 Asian children diagnosed with a tumor under the age of 18 who underwent whole exome sequencing (Chan SH et al, NPJ Genom Med. 2018 Nov;3:30). This amino acid position is highly conserved in available vertebrate species. In addition, this alteration is predicted to be deleterious by in silico analysis. Since supporting evidence is limited at this time, the clinical significance of this alteration remains unclear.

Labcorp Genetics (formerly Invitae), Labcorp
Classification: Uncertain significance for Hereditary pheochromocytoma and paraganglioma. Last evaluated: 2023-11-30. Review status: criteria provided, single submitter. Criteria: Invitae Variant Classification Sherloc (09022015). Collection method: clinical testing. Allele origin: germline.
Comment: This sequence change replaces arginine, which is basic and polar, with cysteine, which is neutral and slightly polar, at codon 100 of the MAX protein (p.Arg100Cys). This variant is present in population databases (rs762084527, gnomAD 0.0009%). This variant has not been reported in the literature in individuals affected with MAX-related conditions. ClinVar contains an entry for this variant (Variation ID: 404108). An algorithm developed to predict the effect of missense changes on protein structure and function (PolyPhen-2) suggests that this variant is likely to be tolerated. In summary, the available evidence is currently insufficient to determine the role of this variant in disease. Therefore, it has been classified as a Variant of Uncertain Significance.

Literature cited by the submitters: PubMed 30455982 (cited by Ambry Genetics).